The following is an entry in ClinVar:

NM_005732.4(RAD50):c.3440T>C (p.Ile1147Thr)

Genes: RAD50 (RAD50 double strand break repair protein; plus strand), TH2LCRR (T helper type 2 locus control region associated RNA; minus strand), TH2-LCR (Th2 cytokine locus control region; plus strand). Cytogenetic location: 5q31.1.
Variant type: single nucleotide variant.
Coding change: c.3440T>C on transcript NM_005732.4 (MANE Select); coding-DNA position 3440, T replaced by C.
Protein change: p.Ile1147Thr; replaces isoleucine 1147 with threonine.
Molecular consequence: missense variant.
Genome position (GRCh38, 1-based): chr5:132,637,165, T>C. VCF-style: chr5-132637165-T-C. GRCh37 (hg19) VCF-style: chr5-131972857-T-C.
Other names: short protein forms I1147T.
Identifiers: ClinVar variation 140855 (VCV000140855.15), dbSNP rs587781322, ClinGen allele CA163748.

ClinVar aggregate classification (germline): Uncertain significance. Review status: criteria provided, multiple submitters, no conflicts (2 of 4 stars). 2 submissions from 2 submitters: Uncertain significance (2). Last evaluated 2022-03-08.

Conditions:
Hereditary cancer-predisposing syndrome. Also called: Neoplastic Syndromes, Hereditary; Tumor predisposition; Hereditary Cancer Syndrome; Hereditary neoplastic syndrome. Identifiers: Orphanet 140162, MedGen C0027672, MeSH D009386, MONDO:0015356.

gnomAD v4.1: 1 of 1,612,536 alleles (0.000062%); no homozygotes.

Submissions (2):

Labcorp Genetics (formerly Invitae), Labcorp
Classification: Uncertain significance for Hereditary cancer-predisposing syndrome. Last evaluated: 2022-03-08. Review status: criteria provided, single submitter. Criteria: Invitae Variant Classification Sherloc (09022015). Collection method: clinical testing. Allele origin: germline.
Comment: This sequence change replaces isoleucine, which is neutral and non-polar, with threonine, which is neutral and polar, at codon 1147 of the RAD50 protein (p.Ile1147Thr). This variant is not present in population databases (gnomAD no frequency). In summary, the available evidence is currently insufficient to determine the role of this variant in disease. Therefore, it has been classified as a Variant of Uncertain Significance. Algorithms developed to predict the effect of missense changes on protein structure and function are either unavailable or do not agree on the potential impact of this missense change (SIFT: "Deleterious"; PolyPhen-2: "Probably Damaging"; Align-GVGD: "Class C0"). ClinVar contains an entry for this variant (Variation ID: 140855). This missense change has been observed in individual(s) with breast cancer (PMID: 25452441).

Ambry Genetics
Classification: Uncertain significance for Hereditary cancer-predisposing syndrome. Last evaluated: 2021-10-15. Review status: criteria provided, single submitter. Criteria: Ambry Variant Classification Scheme 2023. Collection method: clinical testing. Allele origin: germline.
Comment: The p.I1147T variant (also known as c.3440T>C), located in coding exon 22 of the RAD50 gene, results from a T to C substitution at nucleotide position 3440. The isoleucine at codon 1147 is replaced by threonine, an amino acid with similar properties. This amino acid position is well conserved in available vertebrate species. In addition, this alteration is predicted to be deleterious by in silico analysis. Since supporting evidence is limited at this time, the clinical significance of this alteration remains unclear.

Literature cited by the submitters: PubMed 25452441 (cited by Labcorp Genetics (formerly Invitae), Labcorp).